The following is an entry in ClinVar:

ClinVar aggregate classification (germline): Uncertain significance. Review status: criteria provided, multiple submitters, no conflicts (2 of 4 stars). 2 submissions from 2 submitters: Uncertain significance (2). Last evaluated 2024-11-13.

Conditions:
PRPH2-related disorder. Also called: PRPH2-related condition; PRPH2-related disorders. Identifiers: MedGen CN239395.
Retinal dystrophy. Also called: Inherited retinal dystrophy. Identifiers: Orphanet 71862, MedGen C0854723, MeSH D058499, MONDO:0019118, HP:0000556.

Allele frequency attached by ClinVar (database versions not stated): TOPMed 0.00001.
gnomAD v4.1: 10 of 1,614,160 alleles (0.00062%); highest among the groups gnomAD compares: South Asian, 0.0011%; no homozygotes.

Submissions (2):

Labcorp Genetics (formerly Invitae), Labcorp
Classification: Uncertain significance for PRPH2-related disorder. Last evaluated: 2024-11-13. Review status: criteria provided, single submitter. Criteria: Invitae Variant Classification Sherloc (09022015). Collection method: clinical testing. Allele origin: germline.
Comment: This sequence change replaces valine, which is neutral and non-polar, with methionine, which is neutral and non-polar, at codon 28 of the PRPH2 protein (p.Val28Met). This variant is present in population databases (no rsID available, gnomAD 0.003%). This variant has not been reported in the literature in individuals affected with PRPH2-related conditions. ClinVar contains an entry for this variant (Variation ID: 2053126). Invitae Evidence Modeling of protein sequence and biophysical properties (such as structural, functional, and spatial information, amino acid conservation, physicochemical variation, residue mobility, and thermodynamic stability) indicates that this missense variant is expected to disrupt PRPH2 protein function with a positive predictive value of 95%. In summary, the available evidence is currently insufficient to determine the role of this variant in disease. Therefore, it has been classified as a Variant of Uncertain Significance.

Dept Of Ophthalmology, Nagoya University
Classification: Uncertain significance for Retinal dystrophy. Last evaluated: 2023-10-01. Review status: criteria provided, single submitter. Criteria: Submitter's publication. Collection method: research. Allele origin: germline. Affected: yes.

NM_000322.5(PRPH2):c.82G>A (p.Val28Met)

Gene: PRPH2 (peripherin 2; minus strand). Cytogenetic location: 6p21.1.
Variant type: single nucleotide variant.
Coding change: c.82G>A on transcript NM_000322.5 (MANE Select); coding-DNA position 82, G replaced by A.
Protein change: p.Val28Met; replaces valine 28 with methionine.
Molecular consequence: missense variant.
Genome position (GRCh38, 1-based): chr6:42,722,253, C>T on the plus strand (G>A on the coding strand, the complement: PRPH2 is on the minus strand). VCF-style: chr6-42722253-C-T. GRCh37 (hg19) VCF-style: chr6-42689991-C-T.
Other names: short protein forms V28M.
Identifiers: ClinVar variation 2053126 (VCV002053126.5), dbSNP rs1476970688, ClinGen allele CA364138807.
Genomic context (GRCh38, chr6:42,722,253, plus strand): 5'-TCTTTCGGAGTTCAATCTTCAGGAACAGTCCTAGGCTGAAGATGATGATGCCAGCCAACA[C>T]GGAGAACCAGTTCATGAGCCAGAGCCCTTGGGCCAACTTGACCCGCTTCTTCTGGTCAAA-3'
Protein context (NP_000313.2, residues 18-38): QGLWLMNWFS[Val28Met]LAGIIIFSLG